The following is an entry in ClinVar:

ClinVar aggregate classification (germline): Likely pathogenic (1 of 4 stars; one submission).

Conditions:
Glycine encephalopathy. Also called: Non-ketotic hyperglycinemia; Nonketotic hyperglycinemia. Identifiers: Orphanet 407, MedGen C0751748, MONDO:0011612, HP:0008288.

Submission:

Women's Health and Genetics/Laboratory Corporation of America, LabCorp
Classification: Likely pathogenic for Glycine encephalopathy. Last evaluated: 2022-01-04. Review status: criteria provided, single submitter. Criteria: LabCorp Variant Classification Summary - May 2015. Collection method: clinical testing. Allele origin: germline.
Comment: Variant summary: AMT c.381_383delinsGG (p.Asp128ValfsX3) results in a premature termination codon, predicted to cause a truncation of the encoded protein or absence of the protein due to nonsense mediated decay, which are commonly known mechanisms for disease. Truncations downstream of this position have been reported in HGMD. The variant was absent in 251494 control chromosomes. To our knowledge, no occurrence of c.381_383delinsGG in individuals affected with Glycine Encephalopathy (Non-Ketotic Hyperglycinemia) and no experimental evidence demonstrating its impact on protein function have been reported. No clinical diagnostic laboratories have submitted clinical-significance assessments for this variant to ClinVar after 2014. Based on the evidence outlined above, the variant was classified as likely pathogenic.

NM_000481.4(AMT):c.381_383delinsGG (p.Asp128fs)

Gene: AMT (aminomethyltransferase; minus strand). Cytogenetic location: 3p21.31.
Variant type: Indel.
Coding change: c.381_383delinsGG on transcript NM_000481.4 (MANE Select); coding-DNA positions 381 to 383, AGA replaced by GG.
Protein change: p.Asp128fs; shifts the reading frame from aspartic acid 128.
Molecular consequence: frameshift variant. On other transcripts: non-coding transcript variant (1), intron variant (1).
Genome position (GRCh38, 1-based): chr3:49,420,299-49,420,301, TCT replaced by CC on the plus strand (AGA replaced by GG on the coding strand, the reverse complement: AMT is on the minus strand). VCF-style: chr3-49420299-TCT-CC. GRCh37 (hg19) VCF-style: chr3-49457732-TCT-CC.
Other names: c.213_215delinsGG, p.Asp72fs (NM_001164711.2); c.381_383delinsGG, p.Asp128fs (NM_001164712.2); c.340-513_340-511delinsGG (NM_001164710.2); short protein forms D128fs, D72fs.
Identifiers: ClinVar variation 1339758 (VCV001339758.1), dbSNP rs2107933735, ClinGen allele CA2573052206.